The following is an entry in ClinVar:

ClinVar aggregate classification (germline): Uncertain significance (1 of 4 stars; one submission).

Conditions:
Regional enteritis. Also called: Enteritis, Granulomatous. Identifiers: MedGen C0678202, MeSH D003424.
Blau syndrome (BLAUS). Also called: GRANULOMATOSIS, FAMILIAL JUVENILE SYSTEMIC; GRANULOMATOSIS, FAMILIAL, BLAU TYPE; GRANULOMATOUS INFLAMMATORY ARTHRITIS, DERMATITIS, AND UVEITIS, FAMILIAL; JABS SYNDROME; ARTHROCUTANEOUVEAL GRANULOMATOSIS. Identifiers: Orphanet 90340, MedGen C5201146, MONDO:0008523, OMIM 186580.

Allele frequency attached by ClinVar (database versions not stated): gnomAD exomes below 0.00001; TOPMed below 0.00001; gnomAD 0.00001.

Submission:

Labcorp Genetics (formerly Invitae), Labcorp
Classification: Uncertain significance for Regional enteritis; Blau syndrome. Last evaluated: 2023-11-16. Review status: criteria provided, single submitter. Criteria: Invitae Variant Classification Sherloc (09022015). Collection method: clinical testing. Allele origin: germline.
Comment: This sequence change replaces cysteine, which is neutral and slightly polar, with tyrosine, which is neutral and polar, at codon 973 of the NOD2 protein (p.Cys973Tyr). This variant is not present in population databases (gnomAD no frequency). This variant has not been reported in the literature in individuals affected with NOD2-related conditions. Advanced modeling of protein sequence and biophysical properties (such as structural, functional, and spatial information, amino acid conservation, physicochemical variation, residue mobility, and thermodynamic stability) performed at Invitae indicates that this missense variant is not expected to disrupt NOD2 protein function with a negative predictive value of 95%. In summary, the available evidence is currently insufficient to determine the role of this variant in disease. Therefore, it has been classified as a Variant of Uncertain Significance.

NM_001370466.1(NOD2):c.2837G>A (p.Cys946Tyr)

Gene: NOD2 (nucleotide binding oligomerization domain containing 2; plus strand). Cytogenetic location: 16q12.1.
Variant type: single nucleotide variant.
Coding change: c.2837G>A on transcript NM_001370466.1 (MANE Select); coding-DNA position 2837, G replaced by A.
Protein change: p.Cys946Tyr; replaces cysteine 946 with tyrosine.
Molecular consequence: missense variant. On other transcripts: non-coding transcript variant (1).
Genome position (GRCh38, 1-based): chr16:50,725,524, G>A. VCF-style: chr16-50725524-G-A. GRCh37 (hg19) VCF-style: chr16-50759435-G-A.
Other names: c.2837G>A, p.Cys946Tyr (NM_001293557.2); c.2918G>A, p.Cys973Tyr (NM_022162.3); short protein forms C973Y, C946Y.
Identifiers: ClinVar variation 2933900 (VCV002933900.3), dbSNP rs1251391668, ClinGen allele CA395876382.